The following is an entry in ClinVar:

ClinVar aggregate classification (germline): Uncertain significance (1 of 4 stars; one submission).

Conditions:
Atrial fibrillation, familial, 6 (ATFB6). Identifiers: MedGen C2677294, MONDO:0012816, OMIM 612201.

gnomAD v4.1: 5 of 1,614,022 alleles (0.00031%); highest among the groups gnomAD compares: Admixed American, 0.005%; no homozygotes.

Submission:

Labcorp Genetics (formerly Invitae), Labcorp
Classification: Uncertain significance for Atrial fibrillation, familial, 6. Last evaluated: 2025-11-10. Review status: criteria provided, single submitter. Criteria: Invitae Variant Classification Sherloc (09022015). Collection method: clinical testing. Allele origin: germline.
Comment: This sequence change replaces proline, which is neutral and non-polar, with arginine, which is basic and polar, at codon 60 of the NPPA protein (p.Pro60Arg). This variant is present in population databases (rs779265393, gnomAD 0.009%). This variant has not been reported in the literature in individuals affected with NPPA-related conditions. ClinVar contains an entry for this variant (Variation ID: 2160177). An algorithm developed to predict the effect of missense changes on protein structure and function (PolyPhen-2) suggests that this variant is likely to be disruptive. In summary, the available evidence is currently insufficient to determine the role of this variant in disease. Therefore, it has been classified as a Variant of Uncertain Significance.

NM_006172.4(NPPA):c.179C>G (p.Pro60Arg)

Genes: NPPA (natriuretic peptide A; minus strand), NPPA-AS1 (NPPA antisense RNA 1; plus strand), LOC114827827 (VISTA enhancer hs2123; plus strand). Cytogenetic location: 1p36.22.
Variant type: single nucleotide variant.
Coding change: c.179C>G on transcript NM_006172.4 (MANE Select); coding-DNA position 179, C replaced by G.
Protein change: p.Pro60Arg; replaces proline 60 with arginine.
Molecular consequence: missense variant.
Genome position (GRCh38, 1-based): chr1:11,847,384, G>C on the plus strand (C>G on the coding strand, the complement: NPPA is on the minus strand). VCF-style: chr1-11847384-G-C. GRCh37 (hg19) VCF-style: chr1-11907441-G-C.
Other names: short protein forms P60R.
Identifiers: ClinVar variation 2160177 (VCV002160177.4), dbSNP rs779265393, ClinGen allele CA597066.
Genomic context (GRCh38, chr1:11,847,384, plus strand): 5'-ACCTCAGGGAGGGGGCTGAGAGCAGCCCCCGCTTCTTCATTCGGCTCACTGAGCACTTGT[G>C]GGGGCACGACCTCATCTTCTAAAGGCATCTTTTCTTCCAAATGGTCCAGCAAATTCTTTA-3'
Protein context (NP_006163.1, residues 50-70): KMPLEDEVVP[Pro60Arg]QVLSEPNEEA